The following is an entry in ClinVar:

NM_001430.5(EPAS1):c.2324A>T (p.His775Leu)

Gene: EPAS1 (endothelial PAS domain protein 1; plus strand). Cytogenetic location: 2p21.
Variant type: single nucleotide variant.
Coding change: c.2324A>T on transcript NM_001430.5 (MANE Select); coding-DNA position 2324, A replaced by T.
Protein change: p.His775Leu; replaces histidine 775 with leucine.
Molecular consequence: missense variant.
Genome position (GRCh38, 1-based): chr2:46,382,461, A>T. VCF-style: chr2-46382461-A-T. GRCh37 (hg19) VCF-style: chr2-46609600-A-T.
Other names: short protein forms H775L.
Identifiers: ClinVar variation 3221621 (VCV003221621.1), dbSNP rs1006098719, ClinGen allele CA46569271.
Genomic context (GRCh38, chr2:46,382,461, plus strand): 5'-CACTCTCTGACTTTGGTCTTTCAGATAAGTTCACCCAAAACCCCATGAGGGGCCTGGGCC[A>T]TCCCCTGAGACATCTGCCGCTGCCACAGCCTCCATCTGCCATCAGTCCCGGGGAGAACAG-3'
Protein context (NP_001421.2, residues 765-785): FTQNPMRGLG[His775Leu]PLRHLPLPQP

ClinVar aggregate classification (germline): Uncertain significance (1 of 4 stars; one submission).

Conditions:
Inborn genetic diseases. Identifiers: MedGen C0950123, MeSH D030342.

Allele frequency attached by ClinVar (database versions not stated): TOPMed below 0.00001.
gnomAD v4.1: 3 of 1,614,128 alleles (0.00019%); highest among the groups gnomAD compares: Non-Finnish European, 0.00017%; no homozygotes.

Submission:

Ambry Genetics
Classification: Uncertain significance for Inborn genetic diseases. Last evaluated: 2022-01-13. Review status: criteria provided, single submitter. Criteria: Ambry Variant Classification Scheme 2023. Collection method: clinical testing. Allele origin: germline.
Comment: The p.H775L variant (also known as c.2324A>T), located in coding exon 15 of the EPAS1 gene, results from an A to T substitution at nucleotide position 2324. The histidine at codon 775 is replaced by leucine, an amino acid with similar properties. This amino acid position is conserved. In addition, this alteration is predicted to be tolerated by in silico analysis. Since supporting evidence is limited at this time, the clinical significance of this alteration remains unclear.